The following is an entry in ClinVar:

NM_004364.5(CEBPA):c.407C>G (p.Ala136Gly)

Gene: CEBPA (CCAAT enhancer binding protein alpha; minus strand). Cytogenetic location: 19q13.11.
Variant type: single nucleotide variant.
Coding change: c.407C>G on transcript NM_004364.5 (MANE Select); coding-DNA position 407, C replaced by G.
Protein change: p.Ala136Gly; replaces alanine 136 with glycine.
Molecular consequence: missense variant.
Genome position (GRCh38, 1-based): chr19:33,302,008, G>C on the plus strand (C>G on the coding strand, the complement: CEBPA is on the minus strand). VCF-style: chr19-33302008-G-C. GRCh37 (hg19) VCF-style: chr19-33792914-G-C.
Other names: c.50C>G, p.Ala17Gly (NM_001285829.2); c.512C>G, p.Ala171Gly (NM_001287424.2); c.365C>G, p.Ala122Gly (NM_001287435.2); short protein forms A171G, A122G, A17G, A136G.
Identifiers: ClinVar variation 840070 (VCV000840070.10), dbSNP rs1967185191, ClinGen allele CA405275018.
Genomic context (GRCh38, chr19:33,302,008, plus strand): 5'-CGCAGCGCCGGCGCCCCGACGCGCTCGTACAGGGGCTCCAGCCTGCCGTCCAGGTAGCCG[G>C]CGGCCGCGCAGCCGTAGCCGGGCGGGGGCCCGTGCGCTCCCCCGGGCATGACGGCGCCGC-3'
Protein context (NP_004355.2, residues 126-146): GPPPGYGCAA[Ala136Gly]GYLDGRLEPL

ClinVar aggregate classification (germline): Uncertain significance (1 of 4 stars; one submission).

Conditions:
Acute myeloid leukemia (AML). Also called: Acute myeloid leukemia, adult; AML adult; Acute non-lymphocytic leukemia; Acute granulocytic leukemia; Leukemia, acute myeloid, somatic; Leukemia, acute myelogenous, somatic. Identifiers: Orphanet 519, MedGen C0023467, MeSH D015470, MONDO:0018874, OMIM 601626, HP:0004808. Disease mechanism: Constitutively activated FLT3.

Submission:

Labcorp Genetics (formerly Invitae), Labcorp
Classification: Uncertain significance for Acute myeloid leukemia. Last evaluated: 2019-11-13. Review status: criteria provided, single submitter. Criteria: Invitae Variant Classification Sherloc (09022015). Collection method: clinical testing. Allele origin: germline.
Comment: In summary, the available evidence is currently insufficient to determine the role of this variant in disease. Therefore, it has been classified as a Variant of Uncertain Significance. Algorithms developed to predict the effect of missense changes on protein structure and function output the following: SIFT: "Deleterious"; PolyPhen-2: "Benign"; Align-GVGD: "Class C0". The glycine amino acid residue is found in multiple mammalian species, suggesting that this missense change does not adversely affect protein function. These predictions have not been confirmed by published functional studies and their clinical significance is uncertain. This variant has not been reported in the literature in individuals with CEBPA-related conditions. The frequency data for this variant in the population databases is considered unreliable, as metrics indicate insufficient coverage at this position in the ExAC database. This sequence change replaces alanine with glycine at codon 136 of the CEBPA protein (p.Ala136Gly). The alanine residue is moderately conserved and there is a small physicochemical difference between alanine and glycine.